The following is an entry in ClinVar:

ClinVar aggregate classification (germline): Pathogenic/Likely pathogenic. Review status: criteria provided, multiple submitters, no conflicts (2 of 4 stars). 7 submissions from 7 submitters: Pathogenic (3); Likely pathogenic (3). 1 of the submissions does not count toward it. Last evaluated 2026-05-29.

Conditions:
Hereditary retinoblastoma. Identifiers: Orphanet 357027, MedGen C0751483, MONDO:0018160.
Hereditary cancer-predisposing syndrome. Also called: Neoplastic Syndromes, Hereditary; Tumor predisposition; Hereditary Cancer Syndrome; Hereditary neoplastic syndrome. Identifiers: Orphanet 140162, MedGen C0027672, MeSH D009386, MONDO:0015356.
Retinoblastoma (RB1). Also called: RETINOBLASTOMA, SOMATIC. Identifiers: Orphanet 790, MedGen C0035335, MeSH D012175, MONDO:0008380, OMIM 180200, HP:0009919. Disease mechanism: loss of function. Inheritance: Both sporadic and heritable forms are tested..

Submissions (7):

Diller/Parad Lab, Dana-Farber/Harvard Cancer Center
Classification: Likely pathogenic for Retinoblastoma. Last evaluated: 2026-05-29. Review status: criteria provided, single submitter. Criteria: ACMG Guidelines, 2015. Collection method: research. Allele origin: germline. Affected: yes.
Comment: It has been classified as Likely Pathogenic using Richards et al (PMID:25741868) based on the following evidence codes: PM2, PP3, PM1.

Dasa
Classification: Pathogenic. Last evaluated: 2025-06-06. Review status: criteria provided, single submitter. Criteria: DASA Assertion Criteria. Collection method: clinical testing. Allele origin: germline.
Comment: NM_000321.3(RB1):c.2134T>C (p.Cys712Arg) is a missense variant that results in the substitution of cysteine with arginine. The affected residue or protein region has prior evidence supporting clinical relevance. Segregation evidence has been reported in affected families. Functional evidence supports a deleterious effect on the gene or gene product (PMID: 10486322; PMID: 9671401; PMID: 10617920; PMID: 22084214; PMID: 16269091). This variant has been recurrently observed in individuals with related phenotype (PMID: 10486322; PMID: 9671401; PMID: 10617920; PMID: 22084214; PMID: 16269091). Multiple computational predictions support a deleterious effect on the gene or gene product. The variant is present at low frequency in population datasets. Based on the available data, this variant is classified as pathogenic.

Genetic Diagnostic Laboratory, University of Pennsylvania School of Medicine
Classification: Pathogenic for Retinoblastoma. Last evaluated: 2024-05-20. Review status: criteria provided, single submitter. Criteria: ACMG Guidelines, 2015. Collection method: clinical testing. Allele origin: germline. Affected: yes. Observed: 5 variant alleles.
Comment: Case and Pedigree Information: BILATERAL CASES:1, UNILATERAL CASES:4, TOTAL CASES:5, PEDIGREES:5. ACMG Codes Applied:PM2, PS4M, PP3, PP5

Labcorp Genetics (formerly Invitae), Labcorp
Classification: Pathogenic for Retinoblastoma. Last evaluated: 2022-09-08. Review status: criteria provided, single submitter. Criteria: Invitae Variant Classification Sherloc (09022015). Collection method: clinical testing. Allele origin: germline.
Comment: This sequence change replaces cysteine, which is neutral and slightly polar, with arginine, which is basic and polar, at codon 712 of the RB1 protein (p.Cys712Arg). This variant is not present in population databases (gnomAD no frequency). This missense change has been observed in individuals with retinoblastoma (PMID: 9671401, 10617920, 10671068, 11668642, 12541220, 16269091, 22084214). It has also been observed to segregate with disease in related individuals. ClinVar contains an entry for this variant (Variation ID: 13092). Advanced modeling of protein sequence and biophysical properties (such as structural, functional, and spatial information, amino acid conservation, physicochemical variation, residue mobility, and thermodynamic stability) performed at Invitae indicates that this missense variant is expected to disrupt RB1 protein function. Experimental studies have shown that this missense change affects RB1 function (PMID: 10486322, 18677112). For these reasons, this variant has been classified as Pathogenic.

Genetics and Molecular Pathology, SA Pathology
Classification: Likely pathogenic for Hereditary retinoblastoma. Last evaluated: 2019-11-21. Review status: criteria provided, single submitter. Criteria: ACMG Guidelines, 2015. Collection method: clinical testing. Allele origin: germline. Inheritance: Autosomal dominant inheritance. Affected: yes.

Ambry Genetics
Classification: Likely pathogenic for Hereditary cancer-predisposing syndrome. Last evaluated: 2018-03-09. Review status: criteria provided, single submitter. Criteria: Ambry Variant Classification Scheme 2023. Collection method: clinical testing. Allele origin: germline.
Comment: The p.C712R variant (also known as c.2134T>C), located in coding exon 21 of the RB1 gene, results from a T to C substitution at nucleotide position 2134. The cysteine at codon 712 is replaced by arginine, an amino acid with highly dissimilar properties. This alteration has been reported to be associated with a low penetrant phenotype since it has been identified in multiple families with cases of unilateral or regressed tumors and/or unaffected individuals considered at risk for retinoblastoma (Cowell J et al Oncogene. 1998 Jun 18;16(24):3211-3; Valverde J et al BMC Genet. 2005 Nov 4;6:53; Richter S et al Am J Hum Genet. 2003 Feb;72(2):253-69). This variant is located in the A/B pocket and intervening spacer region of the RB1 protein, a critical region of RB1 (Richter S et al Am J Hum Genet. 2003 Feb;72(2):253-69). While alterations to a critical region of the gene are often deleterious, the temperature-sensitive pocket activity of the RB1 gene may explain the observed low penetrance of the C712R alteration (Valverde J et al BMC Genet. 2005 Nov 4;6:53). This amino acid position is highly conserved in available vertebrate species. This splice prediction software does not predict a deleterious effect on splicing. In addition, this alteration is predicted to be deleterious by in silico analysis. Based on the majority of available evidence to date, this variant is likely to be pathogenic.

OMIM
Classification: Pathogenic for RETINOBLASTOMA. Last evaluated: 1999-10-01. Review status: no assertion criteria provided. Collection method: literature only. Allele origin: germline. Not counted in ClinVar's aggregate classification.

Literature cited by the submitters: PubMed 10486322 (cited by 3 submitters); PubMed 9671401 (cited by 3 submitters); PubMed 10617920 (cited by Dasa and Labcorp Genetics (formerly Invitae), Labcorp); PubMed 22084214 (cited by Dasa and Labcorp Genetics (formerly Invitae), Labcorp); PubMed 16269091 (cited by 3 submitters); PubMed 12541220 (cited by 3 submitters); PubMed 10671068 (cited by Labcorp Genetics (formerly Invitae), Labcorp); PubMed 11668642 (cited by Labcorp Genetics (formerly Invitae), Labcorp); PubMed 18677112 (cited by Labcorp Genetics (formerly Invitae), Labcorp); PubMed 15884040 (cited by Ambry Genetics).

NM_000321.3(RB1):c.2134T>C (p.Cys712Arg)

Gene: RB1 (RB transcriptional corepressor 1; plus strand). Cytogenetic location: 13q14.2.
Variant type: single nucleotide variant.
Coding change: c.2134T>C on transcript NM_000321.3 (MANE Select); coding-DNA position 2134, T replaced by C.
Protein change: p.Cys712Arg; replaces cysteine 712 with arginine.
Molecular consequence: missense variant.
Genome position (GRCh38, 1-based): chr13:48,463,758, T>C. VCF-style: chr13-48463758-T-C. GRCh37 (hg19) VCF-style: chr13-49037894-T-C.
Other names: short protein forms C712R.
Identifiers: ClinVar variation 13092 (VCV000013092.18), dbSNP rs137853296, ClinGen allele CA026423.